The following is an entry in ClinVar:

ClinVar aggregate classification (germline): Uncertain significance (1 of 4 stars; one submission).

Conditions:
Pontocerebellar hypoplasia type 1A (PCH1A). Also called: PONTOCEREBELLAR HYPOPLASIA WITH ANTERIOR HORN CELL DISEASE; PONTOCEREBELLAR HYPOPLASIA WITH INFANTILE SPINAL MUSCULAR ATROPHY. Identifiers: Orphanet 2254, Orphanet 88616, MedGen C1843504, MONDO:0011866, OMIM 607596.

Allele frequency attached by ClinVar (database versions not stated): gnomAD exomes below 0.00001; gnomAD 0.00001.
gnomAD v4.1: 2 of 1,613,136 alleles (0.00012%); highest among the groups gnomAD compares: Non-Finnish European, 0.00017%; no homozygotes.

Submission:

Labcorp Genetics (formerly Invitae), Labcorp
Classification: Uncertain significance for Pontocerebellar hypoplasia type 1A. Last evaluated: 2025-04-08. Review status: criteria provided, single submitter. Criteria: Invitae Variant Classification Sherloc (09022015). Collection method: clinical testing. Allele origin: germline.
Comment: This sequence change replaces glutamine, which is neutral and polar, with histidine, which is basic and polar, at codon 97 of the VRK1 protein (p.Gln97His). This variant is not present in population databases (gnomAD no frequency). This variant has not been reported in the literature in individuals affected with VRK1-related conditions. ClinVar contains an entry for this variant (Variation ID: 1984668). An algorithm developed to predict the effect of missense changes on protein structure and function (PolyPhen-2) suggests that this variant is likely to be tolerated. In summary, the available evidence is currently insufficient to determine the role of this variant in disease. Therefore, it has been classified as a Variant of Uncertain Significance.

NM_003384.3(VRK1):c.291G>T (p.Gln97His)

Gene: VRK1 (VRK serine/threonine kinase 1; plus strand). Cytogenetic location: 14q32.2.
Variant type: single nucleotide variant.
Coding change: c.291G>T on transcript NM_003384.3 (MANE Select); coding-DNA position 291, G replaced by T.
Protein change: p.Gln97His; replaces glutamine 97 with histidine.
Molecular consequence: missense variant.
Genome position (GRCh38, 1-based): chr14:96,847,261, G>T. VCF-style: chr14-96847261-G-T. GRCh37 (hg19) VCF-style: chr14-97313598-G-T.
Other names: c.291G>T, p.Gln97His (NM_001411051.1, NM_001411053.1); short protein forms Q97H.
Identifiers: ClinVar variation 1984668 (VCV001984668.2), dbSNP rs1887740076, ClinGen allele CA390930005.